The following is an entry in ClinVar:

NM_172250.3(MMAA):c.128C>T (p.Pro43Leu)

Gene: MMAA (metabolism of cobalamin associated A; plus strand). Cytogenetic location: 4q31.21.
Variant type: single nucleotide variant.
Coding change: c.128C>T on transcript NM_172250.3 (MANE Select); coding-DNA position 128, C replaced by T.
Protein change: p.Pro43Leu; replaces proline 43 with leucine.
Molecular consequence: missense variant.
Genome position (GRCh38, 1-based): chr4:145,639,267, C>T. VCF-style: chr4-145639267-C-T. GRCh37 (hg19) VCF-style: chr4-146560419-C-T.
Other names: short protein forms P43L.
Identifiers: ClinVar variation 347598 (VCV000347598.9), dbSNP rs886059088, ClinGen allele CA10617102.

ClinVar aggregate classification (germline): Uncertain significance. Review status: criteria provided, multiple submitters, no conflicts (2 of 4 stars). 4 submissions from 4 submitters: Uncertain significance (3). 1 of the submissions does not count toward it. Last evaluated 2025-03-31.

Conditions:
Inborn genetic diseases. Identifiers: MedGen C0950123, MeSH D030342.
Methylmalonic aciduria, cblA type (MACA). Also called: Methylmalonic aciduria, vitamin b12-responsive, due to defect in synthesis of adenosylcobalamin, cbla complementation type; MMA cbl A type; Methylmalonic acidemia cblA type; Methylmalonic aciduria, vitamin B12-responsive; Vitamin B12-responsive methylmalonic acidemia type cblA. Identifiers: Orphanet 28, Orphanet 79310, MedGen C1855109, MONDO:0009613, OMIM 251100.

Allele frequency attached by ClinVar (database versions not stated): gnomAD exomes below 0.00001; TOPMed 0.00001.
gnomAD v4.1: 8 of 1,614,114 alleles (0.0005%); highest among the groups gnomAD compares: East Asian, 0.0022%; no homozygotes.

Submissions (4):

Labcorp Genetics (formerly Invitae), Labcorp
Classification: Uncertain significance for Methylmalonic aciduria, cblA type. Last evaluated: 2025-03-31. Review status: criteria provided, single submitter. Criteria: Invitae Variant Classification Sherloc (09022015). Collection method: clinical testing. Allele origin: germline.
Comment: This sequence change replaces proline, which is neutral and non-polar, with leucine, which is neutral and non-polar, at codon 43 of the MMAA protein (p.Pro43Leu). This variant is present in population databases (no rsID available, gnomAD 0.006%). This variant has not been reported in the literature in individuals affected with MMAA-related conditions. ClinVar contains an entry for this variant (Variation ID: 347598). Invitae Evidence Modeling of protein sequence and biophysical properties (such as structural, functional, and spatial information, amino acid conservation, physicochemical variation, residue mobility, and thermodynamic stability) indicates that this missense variant is not expected to disrupt MMAA protein function with a negative predictive value of 95%. In summary, the available evidence is currently insufficient to determine the role of this variant in disease. Therefore, it has been classified as a Variant of Uncertain Significance.

Ambry Genetics
Classification: Uncertain significance for Inborn genetic diseases. Last evaluated: 2024-12-24. Review status: criteria provided, single submitter. Criteria: Ambry Variant Classification Scheme 2023. Collection method: clinical testing. Allele origin: germline.

Illumina Laboratory Services, Illumina
Classification: Uncertain significance for Methylmalonic aciduria, cblA type. Last evaluated: 2018-01-13. Review status: criteria provided, single submitter. Criteria: ICSL Variant Classification Criteria 13 December 2019. Collection method: clinical testing. Allele origin: germline.

Counsyl
Classification: Uncertain significance for Methylmalonic aciduria, cblA type. Last evaluated: 2018-04-06. Review status: no assertion criteria provided. Collection method: clinical testing. Allele origin: unknown. Not counted in ClinVar's aggregate classification.